The following is an entry in ClinVar:

ClinVar aggregate classification (germline): Benign (1 of 4 stars; one submission).

Conditions:
Dihydropyrimidinase deficiency (DPYSD). Also called: DPH DEFICIENCY; DPYS DEFICIENCY; dihydropyrimidinuria. Identifiers: Orphanet 38874, MedGen C0342803, MONDO:0009111, OMIM 222748.

Allele frequency attached by ClinVar (database versions not stated): gnomAD 0.00019 and 0.00029; gnomAD exomes 0.00036 and 0.00076; TOPMed 0.00052; ExAC 0.00054; 1000 Genomes Project 0.00140; 1000 Genomes Project 30x 0.00172.
gnomAD v4.1: 151 of 456,604 alleles (0.033%); highest among the groups gnomAD compares: East Asian, 0.82%; no homozygotes.

Submission:

Illumina Laboratory Services, Illumina
Classification: Benign for Dihydropyrimidinase deficiency. Last evaluated: 2018-01-13. Review status: criteria provided, single submitter. Criteria: ICSL Variant Classification Criteria 13 December 2019. Collection method: clinical testing. Allele origin: germline.
Comment: This variant was observed in the ICSL laboratory as part of a predisposition screen in an ostensibly healthy population. It had not been previously curated by ICSL or reported in the Human Gene Mutation Database (HGMD: prior to June 1st, 2018), and was therefore a candidate for classification through an automated scoring system. Utilizing variant allele frequency, disease prevalence and penetrance estimates, and inheritance mode, an automated score was calculated to assess if this variant is too frequent to cause the disease. Based on the score and internal cut-off values, a variant classified as benign is not then subjected to further curation. The score for this variant resulted in a classification of benign for this disease.

NM_001385.3(DPYS):c.*65T>C

Gene: DPYS (dihydropyrimidinase; minus strand). Cytogenetic location: 8q22.3.
Variant type: single nucleotide variant.
Coding change: c.*65T>C on transcript NM_001385.3 (MANE Select); 65 bases downstream of the stop codon, T replaced by C.
Molecular consequence: 3 prime UTR variant.
Genome position (GRCh38, 1-based): chr8:104,379,793, A>G on the plus strand (T>C on the coding strand, the complement: DPYS is on the minus strand). VCF-style: chr8-104379793-A-G. GRCh37 (hg19) VCF-style: chr8-105392021-A-G.
Identifiers: ClinVar variation 909727 (VCV000909727.4), dbSNP rs151260693, ClinGen allele CA4838237.
Genomic context (GRCh38, chr8:104,379,793, plus strand): 5'-GTGAATTTTTTCTAAAGGATCCTAGGGAGTTGAATAAGGCCTGCTTCTCCATGGGTTGAC[A>G]ATGTTTGGCTGTGAAGGGAATGGCAGCCTCCTTTCCTCTGATTTTTTTACCTTTGAAGAG-3'